The following is an entry in ClinVar:

ClinVar aggregate classification (germline): Uncertain significance (1 of 4 stars; one submission).

Conditions:
Tuberous sclerosis 2 (TSC2). Identifiers: Orphanet 805, MedGen C1860707, MONDO:0013199, OMIM 613254.

Submission:

Labcorp Genetics (formerly Invitae), Labcorp
Classification: Uncertain significance for Tuberous sclerosis 2. Last evaluated: 2025-01-17. Review status: criteria provided, single submitter. Criteria: Invitae Variant Classification Sherloc (09022015). Collection method: clinical testing. Allele origin: germline.
Comment: This sequence change replaces histidine, which is basic and polar, with arginine, which is basic and polar, at codon 1348 of the TSC2 protein (p.His1348Arg). This variant is not present in population databases (gnomAD no frequency). This variant has not been reported in the literature in individuals affected with TSC2-related conditions. Invitae Evidence Modeling of protein sequence and biophysical properties (such as structural, functional, and spatial information, amino acid conservation, physicochemical variation, residue mobility, and thermodynamic stability) indicates that this missense variant is not expected to disrupt TSC2 protein function with a negative predictive value of 95%. In summary, the available evidence is currently insufficient to determine the role of this variant in disease. Therefore, it has been classified as a Variant of Uncertain Significance.

NM_000548.5(TSC2):c.4043A>G (p.His1348Arg)

Gene: TSC2 (TSC complex subunit 2; plus strand). Cytogenetic location: 16p13.3.
Variant type: single nucleotide variant.
Coding change: c.4043A>G on transcript NM_000548.5 (MANE Select); coding-DNA position 4043, A replaced by G.
Protein change: p.His1348Arg; replaces histidine 1348 with arginine.
Molecular consequence: missense variant. On other transcripts: non-coding transcript variant (5).
Genome position (GRCh38, 1-based): chr16:2,084,265, A>G. VCF-style: chr16-2084265-A-G. GRCh37 (hg19) VCF-style: chr16-2134266-A-G.
Other names: c.3842A>G, p.His1281Arg (NM_001077183.3); c.3974A>G, p.His1325Arg (NM_001114382.3); c.3734A>G, p.His1245Arg (NM_001318827.2); c.3698A>G, p.His1233Arg (NM_001318829.2); c.3311A>G, p.His1104Arg (NM_001318831.2); c.3875A>G, p.His1292Arg (NM_001318832.2); c.3914A>G, p.His1305Arg (NM_001370405.1, NM_021055.3); c.4040A>G, p.His1347Arg (NM_001406663.1); and 26 more; short protein forms H1081R, H1276R, H1311R, H1347R, H834R, H856R, H1082R, H1125R.
Identifiers: ClinVar variation 3637228 (VCV003637228.2).